The following is an entry in ClinVar:

ClinVar aggregate classification (germline): Uncertain significance (1 of 4 stars; one submission).

Conditions:
Ehlers-Danlos syndrome, classic type, 1 (EDSCL1). Also called: EHLERS-DANLOS SYNDROME, GRAVIS TYPE; EHLERS-DANLOS SYNDROME, SEVERE CLASSIC TYPE; Ehlers-Danlos syndrome, type 1; Ehlers-Danlos Syndrome, Classic Type, COL5A1-Related; EDS I. Identifiers: MedGen C0268335, MONDO:0019567, OMIM 130000.

Submission:

Labcorp Genetics (formerly Invitae), Labcorp
Classification: Uncertain significance for Ehlers-Danlos syndrome, classic type, 1. Last evaluated: 2025-08-11. Review status: criteria provided, single submitter. Criteria: Invitae Variant Classification Sherloc (09022015). Collection method: clinical testing. Allele origin: germline.
Comment: This sequence change replaces proline, which is neutral and non-polar, with threonine, which is neutral and polar, at codon 1157 of the COL5A2 protein (p.Pro1157Thr). This variant is not present in population databases (gnomAD no frequency). This variant has not been reported in the literature in individuals affected with COL5A2-related conditions. Experimental studies and prediction algorithms are not available or were not evaluated, and the functional significance of this variant is currently unknown. In summary, the available evidence is currently insufficient to determine the role of this variant in disease. Therefore, it has been classified as a Variant of Uncertain Significance.

NM_000393.5(COL5A2):c.3469C>A (p.Pro1157Thr)

Gene: COL5A2 (collagen type V alpha 2 chain; minus strand). Cytogenetic location: 2q32.2.
Variant type: single nucleotide variant.
Coding change: c.3469C>A on transcript NM_000393.5 (MANE Select); coding-DNA position 3469, C replaced by A.
Protein change: p.Pro1157Thr; replaces proline 1157 with threonine.
Molecular consequence: missense variant.
Genome position (GRCh38, 1-based): chr2:189,043,153, G>T on the plus strand (C>A on the coding strand, the complement: COL5A2 is on the minus strand). VCF-style: chr2-189043153-G-T. GRCh37 (hg19) VCF-style: chr2-189907879-G-T.
Other names: short protein forms P1157T.
Identifiers: ClinVar variation 4773231 (VCV004773231.1).